The following is an entry in ClinVar:

ClinVar aggregate classification (germline): Uncertain significance (1 of 4 stars; one submission).

Submission:

Labcorp Genetics (formerly Invitae), Labcorp
Classification: Uncertain significance. Last evaluated: 2025-05-12. Review status: criteria provided, single submitter. Criteria: Invitae Variant Classification Sherloc (09022015). Collection method: clinical testing. Allele origin: germline.
Comment: This sequence change replaces phenylalanine, which is neutral and non-polar, with leucine, which is neutral and non-polar, at codon 502 of the LRRC8A protein (p.Phe502Leu). This variant is not present in population databases (gnomAD no frequency). This variant has not been reported in the literature in individuals affected with LRRC8A-related conditions. An algorithm developed to predict the effect of missense changes on protein structure and function (PolyPhen-2) suggests that this variant is likely to be disruptive. In summary, the available evidence is currently insufficient to determine the role of this variant in disease. Therefore, it has been classified as a Variant of Uncertain Significance.

NM_019594.4(LRRC8A):c.1506C>G (p.Phe502Leu)

Gene: LRRC8A (leucine rich repeat containing 8 VRAC subunit A; plus strand). Cytogenetic location: 9q34.11.
Variant type: single nucleotide variant.
Coding change: c.1506C>G on transcript NM_019594.4 (MANE Select); coding-DNA position 1506, C replaced by G.
Protein change: p.Phe502Leu; replaces phenylalanine 502 with leucine.
Molecular consequence: missense variant.
Genome position (GRCh38, 1-based): chr9:128,908,670, C>G. VCF-style: chr9-128908670-C-G. GRCh37 (hg19) VCF-style: chr9-131670949-C-G.
Other names: c.1506C>G, p.Phe502Leu (NM_001127244.2, NM_001127245.2); short protein forms F502L.
Identifiers: ClinVar variation 4766318 (VCV004766318.1).
Genomic context (GRCh38, chr9:128,908,670, plus strand): 5'-GATTGAAGCGCCCGCGCTGGCCTTCCTGCGTGAGAACCTGCGGGCGCTGCACATCAAGTT[C>G]ACCGACATCAAGGAGATCCCGCTGTGGATCTATAGCCTGAAGACACTGGAGGAGCTGCAC-3'
Protein context (NP_062540.2, residues 492-512): RENLRALHIK[Phe502Leu]TDIKEIPLWI